The following is an entry in ClinVar:

ClinVar aggregate classification (germline): Pathogenic (1 of 4 stars; one submission).

Conditions:
Neurodevelopmental disorder with or without hyperkinetic movements and seizures, autosomal dominant. Also called: Intellectual disability, autosomal dominant 8. Identifiers: MedGen C3280282, MONDO:0013655, OMIM 614254.

Submission:

Labcorp Genetics (formerly Invitae), Labcorp
Classification: Pathogenic for Neurodevelopmental disorder with or without hyperkinetic movements and seizures, autosomal dominant. Last evaluated: 2024-10-23. Review status: criteria provided, single submitter. Criteria: Invitae Variant Classification Sherloc (09022015). Collection method: clinical testing. Allele origin: germline.
Comment: This sequence change creates a premature translational stop signal (p.Asp677Valfs*121) in the GRIN1 gene. It is expected to result in an absent or disrupted protein product. Loss-of-function variants in GRIN1 are known to be pathogenic (PMID: 27164704, 35393335). This variant is not present in population databases (gnomAD no frequency). This variant has not been reported in the literature in individuals affected with GRIN1-related conditions. ClinVar contains an entry for this variant (Variation ID: 2000563). For these reasons, this variant has been classified as Pathogenic.

Literature cited by the submitters: PubMed 27164704; PubMed 35393335.

NM_007327.4(GRIN1):c.2030_2034del (p.Asp677fs)

Gene: GRIN1 (glutamate ionotropic receptor NMDA type subunit 1; plus strand). Cytogenetic location: 9q34.3.
Variant type: Deletion.
Coding change: c.2030_2034del on transcript NM_007327.4 (MANE Select); coding-DNA positions 2030 to 2034, 5 bases deleted (ACAAG; older notation c.2030_2034delACAAG).
Protein change: p.Asp677fs; shifts the reading frame from aspartic acid 677.
Molecular consequence: frameshift variant.
Genome position (GRCh38, 1-based): chr9:137,162,862-137,162,866, ACAAG deleted; deleting any 5 consecutive bases within chr9:137,162,861-137,162,866 gives the same sequence; the c. name uses the placement nearest the transcript's 3' end. VCF-style (leftmost placement, unchanged base first): chr9-137162860-GGACAA-G. GRCh37 (hg19) VCF-style: chr9-140057312-GGACAA-G.
Other names: c.2030_2034del, p.Asp677fs (NM_000832.7, NM_021569.4); c.2093_2097del, p.Asp698fs (NM_001185090.2, NM_001185091.2); short protein forms D677fs, D698fs.
Identifiers: ClinVar variation 2000563 (VCV002000563.4), dbSNP rs2538642665, ClinGen allele CA2573050733.